The following is an entry in ClinVar:

ClinVar aggregate classification (germline): Uncertain significance (1 of 4 stars; one submission).

Allele frequency attached by ClinVar (database versions not stated): gnomAD exomes below 0.00001; gnomAD 0.00001.
gnomAD v4.1: 2 of 1,613,914 alleles (0.00012%); highest among the groups gnomAD compares: South Asian, 0.0022%; no homozygotes.

Submission:

GeneDx
Classification: Uncertain significance. Last evaluated: 2022-05-06. Review status: criteria provided, single submitter. Criteria: GeneDx Variant Classification Process June 2021. Collection method: clinical testing. Allele origin: germline. Affected: yes.
Comment: Not observed at significant frequency in large population cohorts (gnomAD); In silico analysis supports that this missense variant does not alter protein structure/function; Has not been previously published as pathogenic or benign to our knowledge

NM_015001.3(SPEN):c.634C>T (p.Pro212Ser)

Gene: SPEN (spen family transcriptional repressor; plus strand). Cytogenetic location: 1p36.21.
Variant type: single nucleotide variant.
Coding change: c.634C>T on transcript NM_015001.3 (MANE Select); coding-DNA position 634, C replaced by T.
Protein change: p.Pro212Ser; replaces proline 212 with serine.
Molecular consequence: missense variant.
Genome position (GRCh38, 1-based): chr1:15,876,431, C>T. VCF-style: chr1-15876431-C-T. GRCh37 (hg19) VCF-style: chr1-16202926-C-T.
Other names: short protein forms P212S.
Identifiers: ClinVar variation 1723034 (VCV001723034.2), dbSNP rs2070631165, ClinGen allele CA338601929.